The following is an entry in ClinVar:

NM_003872.3(NRP2):c.2115C>T (p.Pro705=)

Gene: NRP2 (neuropilin 2; plus strand). Cytogenetic location: 2q33.3.
Variant type: single nucleotide variant.
Coding change: c.2115C>T on transcript NM_003872.3 (MANE Select); coding-DNA position 2115, C replaced by T.
Protein change: p.Pro705=; no amino-acid change (proline 705 retained).
Molecular consequence: synonymous variant.
Genome position (GRCh38, 1-based): chr2:205,763,744, C>T. VCF-style: chr2-205763744-C-T. GRCh37 (hg19) VCF-style: chr2-206628468-C-T.
Other names: c.2115C>T, p.Pro705= (NM_018534.4, NM_201266.2, NM_201267.2 and 1 more transcripts).
Identifiers: ClinVar variation 3044212 (VCV003044212.2), dbSNP rs200676288, ClinGen allele CA2069321.

ClinVar aggregate classification (germline): Likely benign (0 of 4 stars; one submission).

Conditions:
NRP2-related disorder. Also called: NRP2-related condition.

Allele frequency attached by ClinVar (database versions not stated): TOPMed below 0.00001; ExAC 0.00001; gnomAD 0.00001; 1000 Genomes Project 30x 0.00016; 1000 Genomes Project 0.00020.
gnomAD v4.1: 6 of 1,614,240 alleles (0.00037%); highest among the groups gnomAD compares: Admixed American, 0.005%; no homozygotes.

Submission:

PreventionGenetics, part of Exact Sciences
Classification: Likely benign for NRP2-related condition. Last evaluated: 2023-02-15. Review status: no assertion criteria provided. Collection method: clinical testing. Allele origin: germline.
Comment: This variant is classified as likely benign based on ACMG/AMP sequence variant interpretation guidelines (Richards et al. 2015 PMID: 25741868, with internal and published modifications).